The following is an entry in ClinVar:

ClinVar aggregate classification (germline): Benign. Review status: criteria provided, multiple submitters, no conflicts (2 of 4 stars). 7 submissions from 6 submitters: Benign (6). 1 of the submissions does not count toward it. Last evaluated 2026-02-01.

Conditions:
Microcephalic osteodysplastic dysplasia, Saul-Wilson type. Also called: MICROCEPHALIC OSTEODYSPLASTIC DYSPLASIA; Saul-Wilson Syndrome. Identifiers: Orphanet 85172, MedGen C4509877, MONDO:0019407, OMIM 618150.
COG4-congenital disorder of glycosylation. Also called: COG4-CDG; CONGENITAL DISORDER OF GLYCOSYLATION, TYPE IIj; CDG IIj. Identifiers: Orphanet 263501, MedGen C4303552, MONDO:0013281, OMIM 613489.

Allele frequency attached by ClinVar (database versions not stated): 1000 Genomes Project 0.37380; 1000 Genomes Project 30x 0.38289; TOPMed 0.46097; gnomAD 0.47870; ESP Exome Variant Server 0.48407.
gnomAD v4.1: 721,462 of 1,612,166 alleles (45%); highest among the groups gnomAD compares: African/African-American, 51%; 164,909 homozygotes.

Submissions (7):

Labcorp Genetics (formerly Invitae), Labcorp
Classification: Benign for COG4-congenital disorder of glycosylation. Last evaluated: 2026-02-01. Review status: criteria provided, single submitter. Criteria: Invitae Variant Classification Sherloc (09022015). Collection method: clinical testing. Allele origin: germline.

Genome-Nilou Lab
Classification: Benign for COG4-congenital disorder of glycosylation. Last evaluated: 2021-07-22. Review status: criteria provided, single submitter. Criteria: ACMG Guidelines, 2015. Collection method: clinical testing. Allele origin: germline. Affected: no.

Genome-Nilou Lab
Classification: Benign for Microcephalic osteodysplastic dysplasia, Saul-Wilson type. Last evaluated: 2021-07-22. Review status: criteria provided, single submitter. Criteria: ACMG Guidelines, 2015. Collection method: clinical testing. Allele origin: germline. Affected: no.

Mayo Clinic Laboratories, Mayo Clinic
Classification: Benign. Last evaluated: 2017-11-20. Review status: criteria provided, single submitter. Criteria: ACMG Guidelines, 2015. Collection method: clinical testing. Allele origin: germline. Observed: 27 variant alleles.

GeneDx
Classification: Benign. Last evaluated: 2015-12-10. Review status: criteria provided, single submitter. Criteria: GeneDx Variant Classification (06012015). Collection method: clinical testing. Allele origin: germline. Affected: yes.
Comment: This variant is considered likely benign or benign based on one or more of the following criteria: it is a conservative change, it occurs at a poorly conserved position in the protein, it is predicted to be benign by multiple in silico algorithms, and/or has population frequency not consistent with disease.

Breakthrough Genomics
Classification: Benign. Review status: criteria provided, single submitter. Criteria: ACMG Guidelines, 2015. Collection method: not provided. Allele origin: germline. Inheritance: Autosomal recessive inheritance. Affected: yes.

Genetic Services Laboratory, University of Chicago
Classification: Likely benign for AllHighlyPenetrant. Review status: no assertion criteria provided. Collection method: clinical testing. Allele origin: germline. Inheritance: Autosomal recessive inheritance. Not counted in ClinVar's aggregate classification.
Comment: Likely benign based on allele frequency in 1000 Genomes Project or ESP global frequency and its presence in a patient with a rare or unrelated disease phenotype. NOT Sanger confirmed.

NM_015386.3(COG4):c.2142G>A (p.Ser714=)

Gene: COG4 (component of oligomeric golgi complex 4; minus strand). Cytogenetic location: 16q22.1.
Variant type: single nucleotide variant.
Coding change: c.2142G>A on transcript NM_015386.3 (MANE Select); coding-DNA position 2142, G replaced by A.
Protein change: p.Ser714=; no amino-acid change (serine 714 retained).
Molecular consequence: synonymous variant. On other transcripts: non-coding transcript variant (1).
Genome position (GRCh38, 1-based): chr16:70,481,452, C>T on the plus strand (G>A on the coding strand, the complement: COG4 is on the minus strand). VCF-style: chr16-70481452-C-T. GRCh37 (hg19) VCF-style: chr16-70515355-C-T.
Other names: p.Ser714=; c.2067G>A, p.Ser689= (NM_001195139.2); c.1716G>A, p.Ser572= (NM_001365426.1).
Identifiers: ClinVar variation 128810 (VCV000128810.19), dbSNP rs11054, ClinGen allele CA152454.